The following is an entry in ClinVar:

ClinVar aggregate classification (germline): Uncertain significance (1 of 4 stars; one submission).

Conditions:
Mast syndrome. Also called: SPASTIC PARAPLEGIA 21, AUTOSOMAL RECESSIVE. Identifiers: Orphanet 101001, MedGen C1855346, MONDO:0009568, OMIM 248900.

gnomAD v4.1: 22 of 1,614,030 alleles (0.0014%); highest among the groups gnomAD compares: Admixed American, 0.0067%; no homozygotes.

Submission:

Labcorp Genetics (formerly Invitae), Labcorp
Classification: Uncertain significance for Mast syndrome. Last evaluated: 2025-12-31. Review status: criteria provided, single submitter. Criteria: Invitae Variant Classification Sherloc (09022015). Collection method: clinical testing. Allele origin: germline.
Comment: This sequence change replaces arginine, which is basic and polar, with glutamine, which is neutral and polar, at codon 40 of the SPG21 protein (p.Arg40Gln). This variant is present in population databases (rs750152389, gnomAD 0.01%). This variant has not been reported in the literature in individuals affected with SPG21-related conditions. Invitae Evidence Modeling of protein sequence and biophysical properties (such as structural, functional, and spatial information, amino acid conservation, physicochemical variation, residue mobility, and thermodynamic stability) indicates that this missense variant is not expected to disrupt SPG21 protein function with a negative predictive value of 80%. In summary, the available evidence is currently insufficient to determine the role of this variant in disease. Therefore, it has been classified as a Variant of Uncertain Significance.

NM_016630.7(SPG21):c.119G>A (p.Arg40Gln)

Gene: SPG21 (SPG21 abhydrolase domain containing, maspardin; minus strand). Cytogenetic location: 15q22.31.
Variant type: single nucleotide variant.
Coding change: c.119G>A on transcript NM_016630.7 (MANE Select); coding-DNA position 119, G replaced by A.
Protein change: p.Arg40Gln; replaces arginine 40 with glutamine.
Molecular consequence: missense variant.
Genome position (GRCh38, 1-based): chr15:64,980,970, C>T on the plus strand (G>A on the coding strand, the complement: SPG21 is on the minus strand). VCF-style: chr15-64980970-C-T. GRCh37 (hg19) VCF-style: chr15-65273308-C-T.
Other names: c.119G>A, p.Arg40Gln (NM_001127889.5, NM_001127890.5); short protein forms R40Q.
Identifiers: ClinVar variation 4705244 (VCV004705244.1).
Genomic context (GRCh38, chr15:64,980,970, plus strand): 5'-AAAAAGACATCTGCAGTTCCACTGACAGGGGGCAGGAATATGAGAGGACACCTGATACTT[C>T]GGGGGCCCGCGTCATAGAGCGACCATATCTTACTGTCATCATCATCCACAATAATCTGGA-3'
Protein context (NP_057714.1, residues 30-50): KIWSLYDAGP[Arg40Gln]SIRCPLIFLP